The following is an entry in ClinVar:

ClinVar aggregate classification (germline): Uncertain significance (1 of 4 stars; one submission).

Conditions:
Hereditary cancer-predisposing syndrome. Also called: Hereditary Cancer Syndrome; Hereditary neoplastic syndrome; Tumor predisposition; Neoplastic Syndromes, Hereditary. Identifiers: Orphanet 140162, MedGen C0027672, MeSH D009386, MONDO:0015356.

Submission:

Ambry Genetics
Classification: Uncertain significance for Hereditary cancer-predisposing syndrome. Last evaluated: 2025-08-13. Review status: criteria provided, single submitter. Criteria: Ambry Variant Classification Scheme 2023. Collection method: clinical testing. Allele origin: germline.
Comment: The p.P809H variant (also known as c.2426C>A), located in coding exon 14 of the DICER1 gene, results from a C to A substitution at nucleotide position 2426. The proline at codon 809 is replaced by histidine, an amino acid with similar properties. This amino acid position is highly conserved in available vertebrate species. In addition, the in silico prediction for this alteration is inconclusive. Based on the available evidence, the clinical significance of this variant remains unclear.

NM_177438.3(DICER1):c.2426C>A (p.Pro809His)

Gene: DICER1 (dicer 1, ribonuclease III; minus strand). Cytogenetic location: 14q32.13.
Variant type: single nucleotide variant.
Coding change: c.2426C>A on transcript NM_177438.3 (MANE Select); coding-DNA position 2426, C replaced by A.
Protein change: p.Pro809His; replaces proline 809 with histidine.
Molecular consequence: missense variant. On other transcripts: non-coding transcript variant (6).
Genome position (GRCh38, 1-based): chr14:95,108,334, G>T on the plus strand (C>A on the coding strand, the complement: DICER1 is on the minus strand). VCF-style: chr14-95108334-G-T. GRCh37 (hg19) VCF-style: chr14-95574671-G-T.
Other names: c.2426C>A, p.Pro809His (NM_001195573.1, NM_001271282.3, NM_001291628.2 and 13 more transcripts); c.2144C>A, p.Pro715His (NM_001395686.1); c.2021C>A, p.Pro674His (NM_001395687.1, NM_001395688.1, NM_001395689.1 and 2 more transcripts); c.1859C>A, p.Pro620His (NM_001395691.1); c.743C>A, p.Pro248His (NM_001395697.1); short protein forms P715H, P248H, P620H, P809H, P674H.
Identifiers: ClinVar variation 1791092 (VCV001791092.3), dbSNP rs1891643374, ClinGen allele CA390882068.